The following is an entry in ClinVar:

NM_001375524.1(TRRAP):c.2937C>A (p.Asp979Glu)

Gene: TRRAP (transformation/transcription domain associated protein; plus strand). Cytogenetic location: 7q22.1.
Variant type: single nucleotide variant.
Coding change: c.2937C>A on transcript NM_001375524.1 (MANE Select); coding-DNA position 2937, C replaced by A.
Protein change: p.Asp979Glu; replaces aspartic acid 979 with glutamic acid.
Molecular consequence: missense variant.
Genome position (GRCh38, 1-based): chr7:98,925,225, C>A. VCF-style: chr7-98925225-C-A. GRCh37 (hg19) VCF-style: chr7-98522848-C-A.
Other names: c.2937C>A, p.Asp979Glu (NM_001244580.2, NM_003496.4); short protein forms D979E.
Identifiers: ClinVar variation 4742277 (VCV004742277.1).

ClinVar aggregate classification (germline): Uncertain significance (1 of 4 stars; one submission).

Submission:

Labcorp Genetics (formerly Invitae), Labcorp
Classification: Uncertain significance. Last evaluated: 2025-07-03. Review status: criteria provided, single submitter. Criteria: Invitae Variant Classification Sherloc (09022015). Collection method: clinical testing. Allele origin: germline.
Comment: This sequence change replaces aspartic acid, which is acidic and polar, with glutamic acid, which is acidic and polar, at codon 979 of the TRRAP protein (p.Asp979Glu). This variant is not present in population databases (gnomAD no frequency). This variant has not been reported in the literature in individuals affected with TRRAP-related conditions. Invitae Evidence Modeling of protein sequence and biophysical properties (such as structural, functional, and spatial information, amino acid conservation, physicochemical variation, residue mobility, and thermodynamic stability) indicates that this missense variant is not expected to disrupt TRRAP protein function with a negative predictive value of 80%. In summary, the available evidence is currently insufficient to determine the role of this variant in disease. Therefore, it has been classified as a Variant of Uncertain Significance.